The following is an entry in ClinVar:

ClinVar aggregate classification (germline): Benign. Review status: criteria provided, multiple submitters, no conflicts (2 of 4 stars). 2 submissions from 2 submitters: Benign (2). Last evaluated 2019-03-24.

Allele frequency attached by ClinVar (database versions not stated): 1000 Genomes Project 30x 0.47345; 1000 Genomes Project 0.47544; ESP Exome Variant Server 0.48632; TOPMed 0.49651; gnomAD 0.49882 and 0.50265; gnomAD exomes 0.52177; ExAC 0.54401.
gnomAD v4.1: 793,034 of 1,437,318 alleles (55%); highest among the groups gnomAD compares: South Asian, 58%; 221,635 homozygotes.

Submissions (2):

GeneDx
Classification: Benign. Last evaluated: 2019-03-24. Review status: criteria provided, single submitter. Criteria: GeneDx Variant Classification Process June 2021. Collection method: clinical testing. Allele origin: germline. Affected: yes.
Comment: This variant is associated with the following publications: (PMID: 17404734, 18053808)

Breakthrough Genomics
Classification: Benign. Review status: criteria provided, single submitter. Criteria: ACMG Guidelines, 2015. Collection method: not provided. Allele origin: germline. Inheritance: Autosomal recessive inheritance. Affected: yes.

NM_194255.4(SLC19A1):c.-43C>T

Gene: SLC19A1 (solute carrier family 19 member 1; minus strand). Cytogenetic location: 21q22.3.
Variant type: single nucleotide variant.
Coding change: c.-43C>T on transcript NM_194255.4 (MANE Select); 43 bases upstream of the start codon, C replaced by T.
Molecular consequence: 5 prime UTR variant.
Genome position (GRCh38, 1-based): chr21:45,538,002, G>A on the plus strand (C>T on the coding strand, the complement: SLC19A1 is on the minus strand). VCF-style: chr21-45538002-G-A. GRCh37 (hg19) VCF-style: chr21-46957916-G-A.
Other names: c.-43C>T (NM_001205206.4, NM_001352511.3, NM_001352512.2); c.-401C>T (NM_001352510.2).
Identifiers: ClinVar variation 1220816 (VCV001220816.4), dbSNP rs1131596, ClinGen allele CA10068781.